The following is an entry in ClinVar:

NM_022144.3(TNMD):c.345G>C (p.Val115=)

Gene: TNMD (tenomodulin; plus strand). Cytogenetic location: Xq22.1.
Variant type: single nucleotide variant.
Coding change: c.345G>C on transcript NM_022144.3 (MANE Select); coding-DNA position 345, G replaced by C.
Protein change: p.Val115=; no amino-acid change (valine 115 retained).
Molecular consequence: synonymous variant.
Genome position (GRCh38, 1-based): chrX:100,594,284, G>C. VCF-style: chrX-100594284-G-C. GRCh37 (hg19) VCF-style: chrX-99849281-G-C.
Identifiers: ClinVar variation 2661032 (VCV002661032.24), dbSNP rs773687515, ClinGen allele CA10469116.

ClinVar aggregate classification (germline): Likely benign (1 of 4 stars; one submission).

Allele frequency attached by ClinVar (database versions not stated): gnomAD 0.00001; ExAC 0.00002; TOPMed 0.00004; gnomAD exomes 0.00005.
gnomAD v4.1: 52 of 1,195,080 alleles (0.0044%); highest among the groups gnomAD compares: Middle Eastern, 0.023%; no homozygotes.

Submission:

CeGaT Center for Human Genetics Tuebingen
Classification: Likely benign. Last evaluated: 2022-10-01. Review status: criteria provided, single submitter. Criteria: CeGaT Center For Human Genetics Tuebingen Variant Classification Criteria Version 2. Collection method: clinical testing. Allele origin: germline. Affected: yes. Observed: 2 variant alleles.
Comment: TNMD: BP4, BP7